The following is an entry in ClinVar:

ClinVar aggregate classification (germline): Uncertain significance. Review status: criteria provided, multiple submitters, no conflicts (2 of 4 stars). 3 submissions from 3 submitters: Uncertain significance (3). Last evaluated 2025-05-25.

Conditions:
Inborn genetic diseases. Identifiers: MedGen C0950123, MeSH D030342.
GUSB-related disorder. Also called: GUSB-related condition.
Mucopolysaccharidosis type 7 (MPS7). Also called: BETA-GLUCURONIDASE DEFICIENCY; GUSB DEFICIENCY; MPS VII; SLY SYNDROME. Identifiers: Orphanet 584, MedGen C0085132, MONDO:0009662, OMIM 253220.

Allele frequency attached by ClinVar (database versions not stated): gnomAD 0.00001; gnomAD exomes 0.00001; TOPMed 0.00001; ExAC 0.00002; ESP Exome Variant Server 0.00008.
gnomAD v4.1: 21 of 1,613,910 alleles (0.0013%); highest among the groups gnomAD compares: Non-Finnish European, 0.0016%; no homozygotes.

Submissions (3):

PreventionGenetics, part of Exact Sciences
Classification: Uncertain significance for GUSB-related condition. Last evaluated: 2025-05-25. Review status: criteria provided, single submitter. Criteria: ACMG Guidelines, 2015. Collection method: clinical testing. Allele origin: germline.
Comment: The GUSB c.613T>C variant is predicted to result in the amino acid substitution p.Tyr205His. To our knowledge, this variant has not been reported in the literature. This variant is reported in 0.0018% of alleles in individuals of European (Non-Finnish) descent in gnomAD. At this time, the clinical significance of this variant is uncertain due to the absence of conclusive functional and genetic evidence.

Ambry Genetics
Classification: Uncertain significance for Inborn genetic diseases. Last evaluated: 2021-10-06. Review status: criteria provided, single submitter. Criteria: Ambry Variant Classification Scheme 2023. Collection method: clinical testing. Allele origin: germline.

Labcorp Genetics (formerly Invitae), Labcorp
Classification: Uncertain significance for Mucopolysaccharidosis type 7. Last evaluated: 2020-03-01. Review status: criteria provided, single submitter. Criteria: Invitae Variant Classification Sherloc (09022015). Collection method: clinical testing. Allele origin: germline.
Comment: This sequence change replaces tyrosine with histidine at codon 205 of the GUSB protein (p.Tyr205His). The tyrosine residue is weakly conserved and there is a moderate physicochemical difference between tyrosine and histidine. This variant is present in population databases (rs367989163, ExAC 0.003%). This variant has not been reported in the literature in individuals with GUSB-related conditions. Algorithms developed to predict the effect of missense changes on protein structure and function output the following: SIFT: "Tolerated"; PolyPhen-2: "Benign"; Align-GVGD: "Class C0". The histidine amino acid residue is found in multiple mammalian species, suggesting that this missense change does not adversely affect protein function. These predictions have not been confirmed by published functional studies and their clinical significance is uncertain. In summary, the available evidence is currently insufficient to determine the role of this variant in disease. Therefore, it has been classified as a Variant of Uncertain Significance.

NM_000181.4(GUSB):c.613T>C (p.Tyr205His)

Gene: GUSB (glucuronidase beta; minus strand). Cytogenetic location: 7q11.21.
Variant type: single nucleotide variant.
Coding change: c.613T>C on transcript NM_000181.4 (MANE Select); coding-DNA position 613, T replaced by C.
Protein change: p.Tyr205His; replaces tyrosine 205 with histidine.
Molecular consequence: missense variant. On other transcripts: non-coding transcript variant (1), intron variant (2).
Genome position (GRCh38, 1-based): chr7:65,979,510, A>G on the plus strand (T>C on the coding strand, the complement: GUSB is on the minus strand). VCF-style: chr7-65979510-A-G. GRCh37 (hg19) VCF-style: chr7-65444497-A-G.
Other names: c.613T>C (NM_000181.3); c.43T>C, p.Tyr15His (NM_001293104.2); c.67+714T>C (NM_001293105.2); c.474+324T>C (NM_001284290.2); short protein forms Y15H, Y205H.
Identifiers: ClinVar variation 1001864 (VCV001001864.10), dbSNP rs367989163, ClinGen allele CA4276577.